The following is an entry in ClinVar:

ClinVar aggregate classification (germline): Uncertain significance (1 of 4 stars; one submission).

Conditions:
Intellectual disability, X-linked, with or without seizures, ARX-related. Also called: MENTAL RETARDATION, X-LINKED 29; MENTAL RETARDATION, X-LINKED 32; MENTAL RETARDATION, X-LINKED 33; MENTAL RETARDATION, X-LINKED 38; MENTAL RETARDATION, X-LINKED 43; MENTAL RETARDATION, X-LINKED 76. Identifiers: Orphanet 777, MedGen C0796244, MONDO:0010317, OMIM 300419.
Developmental and epileptic encephalopathy, 1 (DEE1). Also called: INFANTILE SPASM SYNDROME, X-LINKED 1; X-linked infantile spasms; West's syndrome; Tonic spasms with clustering, arrest of psychomotor development and hypsarrhythmia on EEG; X-Linked Infantile Spasm Syndrome; OHTAHARA SYNDROME, X-LINKED. Identifiers: MedGen C3463992, MONDO:0010632, OMIM 308350. Disease mechanism: loss of function.

Submission:

Labcorp Genetics (formerly Invitae), Labcorp
Classification: Uncertain significance for Developmental and epileptic encephalopathy, 1; Intellectual disability, X-linked, with or without seizures, ARX-related. Last evaluated: 2024-12-17. Review status: criteria provided, single submitter. Criteria: Invitae Variant Classification Sherloc (09022015). Collection method: clinical testing. Allele origin: germline.
Comment: This variant, c.451_465dup, results in the insertion of 5 amino acid(s) of the ARX protein (p.Ala151_Ala155dup), but otherwise preserves the integrity of the reading frame. The frequency data for this variant in the population databases is considered unreliable, as metrics indicate insufficient coverage at this position in the gnomAD database. This variant has not been reported in the literature in individuals affected with ARX-related conditions. In summary, the available evidence is currently insufficient to determine the role of this variant in disease. Therefore, it has been classified as a Variant of Uncertain Significance.

NM_139058.3(ARX):c.451_465dup (p.Ala155_Trp156insAlaAlaAlaAlaAla)

Genes: ARX (aristaless related homeobox; minus strand), LOC109610631 (aristaless related homeobox polyalanine expansion region; plus strand). Cytogenetic location: Xp21.3.
Variant type: Duplication.
Coding change: c.451_465dup on transcript NM_139058.3 (MANE Select); coding-DNA positions 451 to 465, 15 bases duplicated (GCGGCCGCCGCGGCC).
Protein change: p.Ala155_Trp156insAlaAlaAlaAlaAla.
Molecular consequence: inframe insertion.
Genome position (GRCh38, 1-based): chrX:25,013,530-25,013,544, GGCCGCGGCGGCCGC duplicated on the plus strand (GCGGCCGCCGCGGCC on the coding strand, the reverse complement: ARX is on the minus strand); duplicating any 15 consecutive bases within chrX:25,013,530-25,013,553 gives the same sequence; the c. name uses the placement nearest the transcript's 3' end. VCF-style (leftmost placement, unchanged base first): chrX-25013529-A-AGGCCGCGGCGGCCGC. GRCh37 (hg19) VCF-style: chrX-25031646-A-AGGCCGCGGCGGCCGC.
Identifiers: ClinVar variation 3758462 (VCV003758462.2).